The following is an entry in ClinVar:

ClinVar aggregate classification (germline): Uncertain significance (1 of 4 stars; one submission).

gnomAD v4.1: 2 of 1,614,186 alleles (0.00012%); highest among the groups gnomAD compares: Non-Finnish European, 0.00017%; no homozygotes.

Submission:

Labcorp Genetics (formerly Invitae), Labcorp
Classification: Uncertain significance. Last evaluated: 2026-01-14. Review status: criteria provided, single submitter. Criteria: Invitae Variant Classification Sherloc (09022015). Collection method: clinical testing. Allele origin: germline.
Comment: This sequence change replaces proline, which is neutral and non-polar, with alanine, which is neutral and non-polar, at codon 375 of the ZNF687 protein (p.Pro375Ala). This variant is not present in population databases (gnomAD no frequency). This variant has not been reported in the literature in individuals affected with ZNF687-related conditions. An algorithm developed to predict the effect of missense changes on protein structure and function (PolyPhen-2) suggests that this variant is likely to be tolerated. In summary, the available evidence is currently insufficient to determine the role of this variant in disease. Therefore, it has been classified as a Variant of Uncertain Significance.

NM_020832.3(ZNF687):c.1123C>G (p.Pro375Ala)

Gene: ZNF687 (zinc finger protein 687; plus strand). Cytogenetic location: 1q21.3.
Variant type: single nucleotide variant.
Coding change: c.1123C>G on transcript NM_020832.3 (MANE Select); coding-DNA position 1123, C replaced by G.
Protein change: p.Pro375Ala; replaces proline 375 with alanine.
Molecular consequence: missense variant.
Genome position (GRCh38, 1-based): chr1:151,287,414, C>G. VCF-style: chr1-151287414-C-G. GRCh37 (hg19) VCF-style: chr1-151259890-C-G.
Other names: c.1123C>G, p.Pro375Ala (NM_001304763.2, NM_001304764.2); short protein forms P375A.
Identifiers: ClinVar variation 4771636 (VCV004771636.1).